The following is an entry in ClinVar:

ClinVar aggregate classification (germline): Uncertain significance (1 of 4 stars; one submission).

Allele frequency attached by ClinVar (database versions not stated): gnomAD exomes 0.00001 and 0.00002; ExAC 0.00002; gnomAD 0.00003; TOPMed 0.00003.
gnomAD v4.1: 18 of 1,612,290 alleles (0.0011%); highest among the groups gnomAD compares: Middle Eastern, 0.016%; no homozygotes.

Submission:

Labcorp Genetics (formerly Invitae), Labcorp
Classification: Uncertain significance. Last evaluated: 2021-08-19. Review status: criteria provided, single submitter. Criteria: Invitae Variant Classification Sherloc (09022015). Collection method: clinical testing. Allele origin: germline.
Comment: This sequence change replaces asparagine with serine at codon 323 of the COQ8A protein (p.Asn323Ser). The asparagine residue is moderately conserved and there is a small physicochemical difference between asparagine and serine. This variant is present in population databases (rs781073371, ExAC 0.02%). This variant has not been reported in the literature in individuals affected with COQ8A-related conditions. Advanced modeling of protein sequence and biophysical properties (such as structural, functional, and spatial information, amino acid conservation, physicochemical variation, residue mobility, and thermodynamic stability) performed at Invitae indicates that this missense variant is not expected to disrupt COQ8A protein function. Algorithms developed to predict the effect of sequence changes on RNA splicing suggest that this variant may create or strengthen a splice site. In summary, the available evidence is currently insufficient to determine the role of this variant in disease. Therefore, it has been classified as a Variant of Uncertain Significance.

NM_020247.5(COQ8A):c.968A>G (p.Asn323Ser)

Gene: COQ8A (coenzyme Q8A; plus strand). Cytogenetic location: 1q42.13.
Variant type: single nucleotide variant.
Coding change: c.968A>G on transcript NM_020247.5 (MANE Select); coding-DNA position 968, A replaced by G.
Protein change: p.Asn323Ser; replaces asparagine 323 with serine.
Molecular consequence: missense variant.
Genome position (GRCh38, 1-based): chr1:226,982,922, A>G. VCF-style: chr1-226982922-A-G. GRCh37 (hg19) VCF-style: chr1-227170623-A-G.
Other names: short protein forms N323S.
Identifiers: ClinVar variation 1395857 (VCV001395857.3), dbSNP rs781073371, ClinGen allele CA1425252.